The following is an entry in ClinVar:

ClinVar aggregate classification (germline): Uncertain significance (1 of 4 stars; one submission).

Conditions:
Bethlem myopathy 2 (BTHLM2). Identifiers: Orphanet 536516, Orphanet 610, MedGen C4225313, MONDO:0034022, OMIM 616471.
Ullrich congenital muscular dystrophy 2 (UCMD2). Identifiers: Orphanet 75840, MedGen C4225314, MONDO:0014654, OMIM 616470.

Submission:

Labcorp Genetics (formerly Invitae), Labcorp
Classification: Uncertain significance for Bethlem myopathy 2; Ullrich congenital muscular dystrophy 2. Last evaluated: 2022-04-26. Review status: criteria provided, single submitter. Criteria: Invitae Variant Classification Sherloc (09022015). Collection method: clinical testing. Allele origin: germline.
Comment: In summary, the available evidence is currently insufficient to determine the role of this variant in disease. Therefore, it has been classified as a Variant of Uncertain Significance. Algorithms developed to predict the effect of missense changes on protein structure and function are either unavailable or do not agree on the potential impact of this missense change (SIFT: "Tolerated"; PolyPhen-2: "Probably Damaging"; Align-GVGD: "Class C0"). This variant has not been reported in the literature in individuals affected with COL12A1-related conditions. This variant is not present in population databases (gnomAD no frequency). This sequence change replaces glutamic acid, which is acidic and polar, with aspartic acid, which is acidic and polar, at codon 1418 of the COL12A1 protein (p.Glu1418Asp).

NM_004370.6(COL12A1):c.4254A>T (p.Glu1418Asp)

Gene: COL12A1 (collagen type XII alpha 1 chain; minus strand). Cytogenetic location: 6q13.
Variant type: single nucleotide variant.
Coding change: c.4254A>T on transcript NM_004370.6 (MANE Select); coding-DNA position 4254, A replaced by T.
Protein change: p.Glu1418Asp; replaces glutamic acid 1418 with aspartic acid.
Molecular consequence: missense variant.
Genome position (GRCh38, 1-based): chr6:75,148,391, T>A on the plus strand (A>T on the coding strand, the complement: COL12A1 is on the minus strand). VCF-style: chr6-75148391-T-A. GRCh37 (hg19) VCF-style: chr6-75858107-T-A.
Other names: c.762A>T, p.Glu254Asp (NM_080645.3); short protein forms E254D, E1418D.
Identifiers: ClinVar variation 2130789 (VCV002130789.4), dbSNP rs1306668352, ClinGen allele CA364745322.